The following is an entry in ClinVar:

ClinVar aggregate classification (germline): Benign (0 of 4 stars; one submission).

Conditions:
COL15A1-related disorder. Also called: COL15A1-related condition.

Allele frequency attached by ClinVar (database versions not stated): gnomAD exomes 0.41097; ExAC 0.47037; ESP Exome Variant Server 0.50131; gnomAD 0.51259; TOPMed 0.52724; 1000 Genomes Project 0.60284; 1000 Genomes Project 30x 0.61165.
gnomAD v4.1: 679,833 of 1,613,254 alleles (42%); highest among the groups gnomAD compares: African/African-American, 76%; 151,834 homozygotes.

Submission:

PreventionGenetics, part of Exact Sciences
Classification: Benign for COL15A1-related condition. Last evaluated: 2019-10-17. Review status: no assertion criteria provided. Collection method: clinical testing. Allele origin: germline.
Comment: This variant is classified as benign based on ACMG/AMP sequence variant interpretation guidelines (Richards et al. 2015 PMID: 25741868, with internal and published modifications).

NM_001855.5(COL15A1):c.610A>G (p.Met204Val)

Gene: COL15A1 (collagen type XV alpha 1 chain; plus strand). Cytogenetic location: 9q22.33.
Variant type: single nucleotide variant.
Coding change: c.610A>G on transcript NM_001855.5 (MANE Select); coding-DNA position 610, A replaced by G.
Protein change: p.Met204Val; replaces methionine 204 with valine.
Molecular consequence: missense variant.
Genome position (GRCh38, 1-based): chr9:98,986,074, A>G. VCF-style: chr9-98986074-A-G. GRCh37 (hg19) VCF-style: chr9-101748356-A-G.
Other names: short protein forms M204V.
Identifiers: ClinVar variation 3060795 (VCV003060795.2), dbSNP rs2075663, ClinGen allele CA5154585.